The following is an entry in ClinVar:

NM_001083926.2(ASRGL1):c.511G>C (p.Ala171Pro)

Gene: ASRGL1 (asparaginase and isoaspartyl peptidase 1; plus strand). Cytogenetic location: 11q12.3.
Variant type: single nucleotide variant.
Coding change: c.511G>C on transcript NM_001083926.2 (MANE Select); coding-DNA position 511, G replaced by C.
Protein change: p.Ala171Pro; replaces alanine 171 with proline.
Molecular consequence: missense variant.
Genome position (GRCh38, 1-based): chr11:62,389,152, G>C. VCF-style: chr11-62389152-G-C. GRCh37 (hg19) VCF-style: chr11-62156624-G-C.
Other names: c.511G>C, p.Ala171Pro (NM_025080.4); short protein forms A171P.
Identifiers: ClinVar variation 2056730 (VCV002056730.4), dbSNP rs1249974842, ClinGen allele CA380870193.

ClinVar aggregate classification (germline): Uncertain significance (1 of 4 stars; one submission).

Allele frequency attached by ClinVar (database versions not stated): gnomAD 0.00001.
gnomAD v4.1: 1 of 1,612,588 alleles (0.000062%); highest among the groups gnomAD compares: East Asian, 0.0022%; no homozygotes.

Submission:

Labcorp Genetics (formerly Invitae), Labcorp
Classification: Uncertain significance. Last evaluated: 2021-12-24. Review status: criteria provided, single submitter. Criteria: Invitae Variant Classification Sherloc (09022015). Collection method: clinical testing. Allele origin: germline.
Comment: This sequence change replaces alanine, which is neutral and non-polar, with proline, which is neutral and non-polar, at codon 171 of the ASRGL1 protein (p.Ala171Pro). This variant is present in population databases (no rsID available, gnomAD 0.06%). This variant has not been reported in the literature in individuals affected with ASRGL1-related conditions. Algorithms developed to predict the effect of missense changes on protein structure and function (SIFT, PolyPhen-2, Align-GVGD) all suggest that this variant is likely to be disruptive. In summary, the available evidence is currently insufficient to determine the role of this variant in disease. Therefore, it has been classified as a Variant of Uncertain Significance.